The following is an entry in ClinVar:

ClinVar aggregate classification (germline): Pathogenic (1 of 4 stars; one submission).

Conditions:
Primary pulmonary hypertension. Also called: Idiopathic pulmonary hypertension. Identifiers: MedGen C0152171.

Submission:

Labcorp Genetics (formerly Invitae), Labcorp
Classification: Pathogenic for Primary pulmonary hypertension. Last evaluated: 2023-06-04. Review status: criteria provided, single submitter. Criteria: Invitae Variant Classification Sherloc (09022015). Collection method: clinical testing. Allele origin: germline.
Comment: This variant has not been reported in the literature in individuals affected with BMPR2-related conditions. This sequence change creates a premature translational stop signal (p.Val267Glufs*13) in the BMPR2 gene. It is expected to result in an absent or disrupted protein product. Loss-of-function variants in BMPR2 are known to be pathogenic (PMID: 16429395). This variant is not present in population databases (gnomAD no frequency). For these reasons, this variant has been classified as Pathogenic.

Literature cited by the submitters: PubMed 16429395.

NM_001204.7(BMPR2):c.798_799dup (p.Val267fs)

Gene: BMPR2 (bone morphogenetic protein receptor type 2; plus strand). Cytogenetic location: 2q33.2.
Variant type: Microsatellite.
Coding change: c.798_799dup on transcript NM_001204.7 (MANE Select); coding-DNA positions 798 to 799, 2 bases duplicated (AG; older notation c.798_799dupAG).
Protein change: p.Val267fs; shifts the reading frame from valine 267.
Molecular consequence: frameshift variant.
Genome position (GRCh38, 1-based): chr2:202,518,998-202,518,999, AG duplicated; duplicating any 2 consecutive bases within chr2:202,518,993-202,518,999 gives the same sequence; the c. name uses the placement nearest the transcript's 3' end. VCF-style (leftmost placement, unchanged base first): chr2-202518992-T-TGA. GRCh37 (hg19) VCF-style: chr2-203383715-T-TGA.
Other names: short protein forms V267fs.
Identifiers: ClinVar variation 2765933 (VCV002765933.3), dbSNP rs1085307261, ClinGen allele CA2697551481.